The following is an entry in ClinVar:

ClinVar aggregate classification (germline): Uncertain significance (1 of 4 stars; one submission).

Allele frequency attached by ClinVar (database versions not stated): gnomAD 0.00001 and 0.00003; TOPMed 0.00001; gnomAD exomes 0.00009 and 0.00010; ExAC 0.00011; 1000 Genomes Project 30x 0.00031; 1000 Genomes Project 0.00040.
gnomAD v4.1: 134 of 1,613,418 alleles (0.0083%); highest among the groups gnomAD compares: South Asian, 0.038%; no homozygotes.

Submission:

Labcorp Genetics (formerly Invitae), Labcorp
Classification: Uncertain significance. Last evaluated: 2025-01-18. Review status: criteria provided, single submitter. Criteria: Invitae Variant Classification Sherloc (09022015). Collection method: clinical testing. Allele origin: germline.
Comment: This sequence change replaces proline, which is neutral and non-polar, with leucine, which is neutral and non-polar, at codon 1053 of the NLRP1 protein (p.Pro1053Leu). This variant is present in population databases (rs200967626, gnomAD 0.04%). This variant has not been reported in the literature in individuals affected with NLRP1-related conditions. ClinVar contains an entry for this variant (Variation ID: 1501684). An algorithm developed to predict the effect of missense changes on protein structure and function outputs the following: PolyPhen-2: "Benign". The leucine amino acid residue is found in multiple mammalian species, which suggests that this missense change does not adversely affect protein function. In summary, the available evidence is currently insufficient to determine the role of this variant in disease. Therefore, it has been classified as a Variant of Uncertain Significance.

NM_033004.4(NLRP1):c.3158C>T (p.Pro1053Leu)

Gene: NLRP1 (NLR family pyrin domain containing 1; minus strand). Cytogenetic location: 17p13.2.
Variant type: single nucleotide variant.
Coding change: c.3158C>T on transcript NM_033004.4 (MANE Select); coding-DNA position 3158, C replaced by T.
Protein change: p.Pro1053Leu; replaces proline 1053 with leucine.
Molecular consequence: missense variant.
Genome position (GRCh38, 1-based): chr17:5,532,960, G>A on the plus strand (C>T on the coding strand, the complement: NLRP1 is on the minus strand). VCF-style: chr17-5532960-G-A. GRCh37 (hg19) VCF-style: chr17-5436280-G-A.
Other names: c.3170C>T, p.Pro1057Leu (NM_001033053.3); c.3158C>T, p.Pro1053Leu (NM_014922.5); c.3068C>T, p.Pro1023Leu (NM_033006.4, NM_033007.4); short protein forms P1023L, P1057L, P1053L.
Identifiers: ClinVar variation 1501684 (VCV001501684.8), dbSNP rs200967626, ClinGen allele CA8326909.
Genomic context (GRCh38, chr17:5,532,960, plus strand): 5'-AAAGGCTTCGTATGCAGGTCCCCTTGAGAGGCAGGAGAAGGCACGCACAAGAGTTCCACC[G>A]GTACTACCTCTGGGGAGCTTTCCTCTGAAACAGCAAGGCAGCGGTCAGCTCCAGATTCTC-3'
Protein context (NP_127497.1, residues 1043-1063): IAEESSPEVV[Pro1053Leu]VELLCVPSPA